The following is an entry in ClinVar:

ClinVar aggregate classification (germline): Conflicting classifications of pathogenicity. Review status: criteria provided, conflicting classifications (1 of 4 stars). 4 submissions from 4 submitters: Uncertain significance (1); Likely benign (1). 2 of the submissions do not count toward it. Last evaluated 2026-01-19.

Conditions:
Inborn genetic diseases. Identifiers: MedGen C0950123, MeSH D030342.
Epidermolysis bullosa dystrophica inversa, autosomal recessive. Identifiers: MedGen C2673612.
COL7A1-related disorder. Also called: COL7A1-related condition; COL7A1- related disorders.

Allele frequency attached by ClinVar (database versions not stated): gnomAD 0.00005 and 0.00006; gnomAD exomes 0.00005 and 0.00009; ESP Exome Variant Server 0.00008; TOPMed 0.00008; ExAC 0.00012.
gnomAD v4.1: 88 of 1,613,772 alleles (0.0055%); highest among the groups gnomAD compares: Middle Eastern, 0.049%; no homozygotes.

Submissions (4):

Labcorp Genetics (formerly Invitae), Labcorp
Classification: Likely benign. Last evaluated: 2026-01-19. Review status: criteria provided, single submitter. Criteria: Invitae Variant Classification Sherloc (09022015). Collection method: clinical testing. Allele origin: germline.

Ambry Genetics
Classification: Uncertain significance for Inborn genetic diseases. Last evaluated: 2024-11-15. Review status: criteria provided, single submitter. Criteria: Ambry Variant Classification Scheme 2023. Collection method: clinical testing. Allele origin: germline.

PreventionGenetics, part of Exact Sciences
Classification: Uncertain significance for COL7A1-related condition. Last evaluated: 2024-08-19. Review status: no assertion criteria provided. Collection method: clinical testing. Allele origin: germline. Not counted in ClinVar's aggregate classification.
Comment: The COL7A1 c.6398T>C variant is predicted to result in the amino acid substitution p.Val2133Ala. To our knowledge, this variant has not been reported in the literature. This variant is reported in 0.025% of alleles in individuals of Latino descent in gnomAD. At this time, the clinical significance of this variant is uncertain due to the absence of conclusive functional and genetic evidence.

Natera, Inc.
Classification: Uncertain significance for Autosomal recessive epidermolysis bullosa dystrophica inversa. Last evaluated: 2020-08-24. Review status: no assertion criteria provided. Collection method: clinical testing. Allele origin: germline. Not counted in ClinVar's aggregate classification.

NM_000094.4(COL7A1):c.6398T>C (p.Val2133Ala)

Gene: COL7A1 (collagen type VII alpha 1 chain; minus strand). Cytogenetic location: 3p21.31.
Variant type: single nucleotide variant.
Coding change: c.6398T>C on transcript NM_000094.4 (MANE Select); coding-DNA position 6398, T replaced by C.
Protein change: p.Val2133Ala; replaces valine 2133 with alanine.
Molecular consequence: missense variant.
Genome position (GRCh38, 1-based): chr3:48,574,546, A>G on the plus strand (T>C on the coding strand, the complement: COL7A1 is on the minus strand). VCF-style: chr3-48574546-A-G. GRCh37 (hg19) VCF-style: chr3-48611979-A-G.
Other names: c.6398T>C (NM_000094.3); short protein forms V2133A.
Identifiers: ClinVar variation 991486 (VCV000991486.10), dbSNP rs372838887, ClinGen allele CA2379057.
Genomic context (GRCh38, chr3:48,574,546, plus strand): 5'-ACCGGGTTGCCGTCCTGACCCCTCGGTCCAGGCTCTCCCCGGTCTCCTTTGATGCCTGGC[A>G]CACCCTGAAGGCAGAGTGTCGTGCCCTGAGCCCCCAGTCCCTGCCACGTGCCCAGGTGCA-3'
Protein context (NP_000085.1, residues 2123-2143): GDQGPKGDRG[Val2133Ala]PGIKGDRGEP